The following is an entry in ClinVar:

ClinVar aggregate classification (germline): Uncertain significance (1 of 4 stars; one submission).

Conditions:
Jeune thoracic dystrophy. Also called: Jeune syndrome; Infantile thoracic dystrophy; Thoracic pelvic phalangeal dystrophy; Jeune's syndrome; Chondroectodermal dysplasia-like syndrome; Short-rib thoracic dysplasia. Identifiers: Orphanet 474, MedGen C0265275, MONDO:0018770.

Submission:

Labcorp Genetics (formerly Invitae), Labcorp
Classification: Uncertain significance for Jeune thoracic dystrophy. Last evaluated: 2020-12-07. Review status: criteria provided, single submitter. Criteria: Invitae Variant Classification Sherloc (09022015). Collection method: clinical testing. Allele origin: germline.
Comment: Advanced modeling of protein sequence and biophysical properties (such as structural, functional, and spatial information, amino acid conservation, physicochemical variation, residue mobility, and thermodynamic stability) performed at Invitae indicates that this missense variant is not expected to disrupt DYNC2H1 protein function. In summary, the available evidence is currently insufficient to determine the role of this variant in disease. Therefore, it has been classified as a Variant of Uncertain Significance. This variant has not been reported in the literature in individuals with DYNC2H1-related conditions. This sequence change replaces lysine with asparagine at codon 398 of the DYNC2H1 protein (p.Lys398Asn). The lysine residue is highly conserved and there is a moderate physicochemical difference between lysine and asparagine. This variant is not present in population databases (ExAC no frequency).

NM_001377.3(DYNC2H1):c.1194A>T (p.Lys398Asn)

Gene: DYNC2H1 (dynein cytoplasmic 2 heavy chain 1; plus strand). Cytogenetic location: 11q22.3.
Variant type: single nucleotide variant.
Coding change: c.1194A>T on transcript NM_001377.3 (MANE Select); coding-DNA position 1194, A replaced by T.
Protein change: p.Lys398Asn; replaces lysine 398 with asparagine.
Molecular consequence: missense variant.
Genome position (GRCh38, 1-based): chr11:103,120,748, A>T. VCF-style: chr11-103120748-A-T. GRCh37 (hg19) VCF-style: chr11-102991477-A-T.
Other names: c.1194A>T, p.Lys398Asn (NM_001080463.2); short protein forms K398N.
Identifiers: ClinVar variation 1392324 (VCV001392324.8), dbSNP rs2134714754, ClinGen allele CA382250944.